The following is an entry in ClinVar:

NM_001430.5(EPAS1):c.2366T>C (p.Ile789Thr)

Gene: EPAS1 (endothelial PAS domain protein 1; plus strand). Cytogenetic location: 2p21.
Variant type: single nucleotide variant.
Coding change: c.2366T>C on transcript NM_001430.5 (MANE Select); coding-DNA position 2366, T replaced by C.
Protein change: p.Ile789Thr; replaces isoleucine 789 with threonine.
Molecular consequence: missense variant.
Genome position (GRCh38, 1-based): chr2:46,382,503, T>C. VCF-style: chr2-46382503-T-C. GRCh37 (hg19) VCF-style: chr2-46609642-T-C.
Other names: short protein forms I789T.
Identifiers: ClinVar variation 1790221 (VCV001790221.3), dbSNP rs376111154, ClinGen allele CA1645326.
Genomic context (GRCh38, chr2:46,382,503, plus strand): 5'-CCATGAGGGGCCTGGGCCATCCCCTGAGACATCTGCCGCTGCCACAGCCTCCATCTGCCA[T>C]CAGTCCCGGGGAGAACAGCAAGAGCAGGTTCCCCCCACAGTGCTACGCCACCCAGTACCA-3'
Protein context (NP_001421.2, residues 779-799): HLPLPQPPSA[Ile789Thr]SPGENSKSRF

ClinVar aggregate classification (germline): Uncertain significance (1 of 4 stars; one submission).

Conditions:
Inborn genetic diseases. Identifiers: MedGen C0950123, MeSH D030342.

Allele frequency attached by ClinVar (database versions not stated): gnomAD exomes below 0.00001; ExAC 0.00001; gnomAD 0.00003; TOPMed 0.00003; ESP Exome Variant Server 0.00008.
gnomAD v4.1: 8 of 1,614,004 alleles (0.0005%); highest among the groups gnomAD compares: African/African-American, 0.008%; no homozygotes.

Submission:

Ambry Genetics
Classification: Uncertain significance for Inborn genetic diseases. Last evaluated: 2024-05-10. Review status: criteria provided, single submitter. Criteria: Ambry Variant Classification Scheme 2023. Collection method: clinical testing. Allele origin: germline.
Comment: The p.I789T variant (also known as c.2366T>C), located in coding exon 15 of the EPAS1 gene, results from a T to C substitution at nucleotide position 2366. The isoleucine at codon 789 is replaced by threonine, an amino acid with similar properties. This amino acid position is conserved. In addition, this alteration is predicted to be tolerated by in silico analysis. Since supporting evidence is limited at this time, the clinical significance of this alteration remains unclear.